The following is an entry in ClinVar:

ClinVar aggregate classification (germline): Conflicting classifications of pathogenicity. Review status: criteria provided, conflicting classifications (1 of 4 stars). 3 submissions from 3 submitters: Uncertain significance (1); Likely benign (2). Last evaluated 2026-02-02.

Conditions:
Hereditary cancer-predisposing syndrome. Also called: Hereditary neoplastic syndrome; Neoplastic Syndromes, Hereditary; Hereditary Cancer Syndrome; Tumor predisposition. Identifiers: Orphanet 140162, MedGen C0027672, MeSH D009386, MONDO:0015356.
Hereditary breast ovarian cancer syndrome. Also called: BRCA1- and BRCA2-Associated Hereditary Breast and Ovarian Cancer; Hereditary breast and ovarian cancer syndrome (HBOC); Hereditary breast and/or ovarian cancer syndrome; Hereditary breast and ovarian cancer syndrome; Hereditary breast and ovarian cancer; Breast and ovarian cancer. Identifiers: Orphanet 145, MedGen C0677776, MeSH D061325, MONDO:0003582. Disease mechanism: loss of function.

Allele frequency attached by ClinVar (database versions not stated): gnomAD exomes below 0.00001; ExAC 0.00001.
gnomAD v4.1: 1 of 1,614,018 alleles (0.000062%); highest among the groups gnomAD compares: South Asian, 0.0011%; no homozygotes.

Submissions (3):

Labcorp Genetics (formerly Invitae), Labcorp
Classification: Uncertain significance for Hereditary breast ovarian cancer syndrome. Last evaluated: 2026-02-02. Review status: criteria provided, single submitter. Criteria: Invitae Variant Classification Sherloc (09022015). Collection method: clinical testing. Allele origin: germline.
Comment: This sequence change replaces serine, which is neutral and polar, with asparagine, which is neutral and polar, at codon 689 of the BRCA1 protein (p.Ser689Asn). This variant is present in population databases (rs779748579, gnomAD 0.003%). This variant has not been reported in the literature in individuals affected with BRCA1-related conditions. ClinVar contains an entry for this variant (Variation ID: 1720073). Invitae Evidence Modeling of protein sequence and biophysical properties (such as structural, functional, and spatial information, amino acid conservation, physicochemical variation, residue mobility, and thermodynamic stability) indicates that this missense variant is not expected to disrupt BRCA1 protein function with a negative predictive value of 80%. In summary, the available evidence is currently insufficient to determine the role of this variant in disease. Therefore, it has been classified as a Variant of Uncertain Significance.

University of Washington Department of Laboratory Medicine, University of Washington
Classification: Likely benign for Hereditary cancer-predisposing syndrome. Last evaluated: 2023-03-23. Review status: criteria provided, single submitter. Criteria: Dines et al. (Genet Med. 2020). Collection method: curation. Allele origin: germline.
Comment: Missense variant in a coldspot region where missense variants are very unlikely to be pathogenic (PMID:31911673).

BRCA1 coldspot (exon 11 using historical exon numbering). Reclassification based on statistical prior probability

Ambry Genetics
Classification: Likely benign for Hereditary cancer-predisposing syndrome. Last evaluated: 2021-01-21. Review status: criteria provided, single submitter. Criteria: Ambry Variant Classification Scheme 2023. Collection method: clinical testing. Allele origin: germline.

NM_007294.4(BRCA1):c.2066G>A (p.Ser689Asn)

Gene: BRCA1 (BRCA1 DNA repair associated; minus strand). Cytogenetic location: 17q21.31.
Variant type: single nucleotide variant.
Coding change: c.2066G>A on transcript NM_007294.4 (MANE Select); coding-DNA position 2066, G replaced by A.
Protein change: p.Ser689Asn; replaces serine 689 with asparagine.
Molecular consequence: missense variant. On other transcripts: intron variant (137).
Genome position (GRCh38, 1-based): chr17:43,093,465, C>T on the plus strand (G>A on the coding strand, the complement: BRCA1 is on the minus strand). VCF-style: chr17-43093465-C-T. GRCh37 (hg19) VCF-style: chr17-41245482-C-T.
Other names: c.1856G>A, p.Ser619Asn (NM_001407882.1, NM_001407884.1, NM_001407885.1 and 13 more transcripts); c.1853G>A, p.Ser618Asn (NM_001407898.1, NM_001407899.1, NM_001407894.1 and 9 more transcripts); c.520+1279G>A (NM_001408504.1, NM_001408503.1, NM_001408505.1); c.643+1279G>A (NM_001408463.1, NM_001408462.1, NM_001408470.1 and 3 more transcripts); c.523+1279G>A (NM_001408499.1, NM_001408498.1, NM_001408501.1 and 3 more transcripts); c.670+2381G>A (NM_001408422.1, NM_001408418.1, NM_001408423.1 and 2 more transcripts); c.706+1279G>A (NM_001408416.1, NM_001408413.1); c.577+1279G>A (NM_001408484.1, NM_001408478.1, NM_001408514.1 and 9 more transcripts); and 40 more; short protein forms S393N, S521N, S561N, S562N, S577N, S578N, S600N, S601N.
Identifiers: ClinVar variation 1720073 (VCV001720073.10), dbSNP rs779748579, ClinGen allele CA057736.